The following is an entry in ClinVar:

NM_015102.5(NPHP4):c.2703C>T (p.Pro901=)

Gene: NPHP4 (nephrocystin 4; minus strand). Cytogenetic location: 1p36.31.
Variant type: single nucleotide variant.
Coding change: c.2703C>T on transcript NM_015102.5 (MANE Select); coding-DNA position 2703, C replaced by T.
Protein change: p.Pro901=; no amino-acid change (proline 901 retained).
Molecular consequence: synonymous variant. On other transcripts: non-coding transcript variant (1).
Genome position (GRCh38, 1-based): chr1:5,877,207, G>A on the plus strand (C>T on the coding strand, the complement: NPHP4 is on the minus strand). VCF-style: chr1-5877207-G-A. GRCh37 (hg19) VCF-style: chr1-5937267-G-A.
Other names: c.2703C>T (NM_015102.4); c.1164C>T, p.Pro388= (NM_001291593.2); c.1167C>T, p.Pro389= (NM_001291594.2).
Identifiers: ClinVar variation 1078529 (VCV001078529.10), dbSNP rs1200133332, ClinGen allele CA415789286.

ClinVar aggregate classification (germline): Likely benign. Review status: criteria provided, multiple submitters, no conflicts (2 of 4 stars). 2 submissions from 2 submitters: Likely benign (2). Last evaluated 2025-04-21.

Conditions:
NPHP4-related disorder. Also called: NPHP4-related disorders; NPHP4-related condition. Identifiers: MedGen CN239384.
Nephronophthisis. Also called: Juvenile Nephronophthisis. Identifiers: Orphanet 655, MedGen C0687120, MONDO:0019005, HP:0000090.

Allele frequency attached by ClinVar (database versions not stated): gnomAD exomes below 0.00001 and 0.00001; TOPMed below 0.00001; gnomAD 0.00001.
gnomAD v4.1: 7 of 1,606,432 alleles (0.00044%); highest among the groups gnomAD compares: Non-Finnish European, 0.0006%; no homozygotes.

Submissions (2):

PreventionGenetics, part of Exact Sciences
Classification: Likely benign for NPHP4-related condition. Last evaluated: 2025-04-21. Review status: criteria provided, single submitter. Criteria: ACMG Guidelines, 2015. Collection method: clinical testing. Allele origin: germline.
Comment: This variant is classified as likely benign based on ACMG/AMP sequence variant interpretation guidelines (Richards et al. 2015 PMID: 25741868, with internal and published modifications).

Labcorp Genetics (formerly Invitae), Labcorp
Classification: Likely benign for Nephronophthisis. Last evaluated: 2024-05-02. Review status: criteria provided, single submitter. Criteria: Invitae Variant Classification Sherloc (09022015). Collection method: clinical testing. Allele origin: germline.